The following is an entry in ClinVar:

ClinVar aggregate classification (germline): Likely benign. Review status: criteria provided, multiple submitters, no conflicts (2 of 4 stars). 2 submissions from 2 submitters: Likely benign (2). Last evaluated 2024-10-16.

Conditions:
Lung cancer. Also called: Malignant tumor of lung; Lung cancer, somatic. Identifiers: MedGen C0242379, MONDO:0008903, OMIM 211980.
EGFR-related lung cancer (EGFR). Identifiers: MedGen CN130014.

gnomAD v4.1: 2 of 1,613,808 alleles (0.00012%); highest among the groups gnomAD compares: South Asian, 0.0011%; no homozygotes.

Submissions (2):

Myriad Genetics, Inc.
Classification: Likely benign for Lung cancer. Last evaluated: 2024-10-16. Review status: criteria provided, single submitter. Criteria: Myriad Autosomal Dominant, Autosomal Recessive and X-Linked Classification Criteria (2023). Collection method: clinical testing. Allele origin: unknown.
Comment: This variant is considered likely benign. This variant is intronic and is not expected to impact mRNA splicing.

Labcorp Genetics (formerly Invitae), Labcorp
Classification: Likely benign for EGFR-related lung cancer. Last evaluated: 2024-05-14. Review status: criteria provided, single submitter. Criteria: Invitae Variant Classification Sherloc (09022015). Collection method: clinical testing. Allele origin: germline.

NM_005228.5(EGFR):c.2284-20G>C

Genes: EGFR (epidermal growth factor receptor; plus strand), EGFR-AS1 (EGFR antisense RNA 1; minus strand). Cytogenetic location: 7p11.2.
Variant type: single nucleotide variant.
Coding change: c.2284-20G>C on transcript NM_005228.5 (MANE Select); 20 bases into the intron before coding-DNA position 2284, G replaced by C.
Molecular consequence: intron variant. On other transcripts: non-coding transcript variant (1).
Genome position (GRCh38, 1-based): chr7:55,181,273, G>C. VCF-style: chr7-55181273-G-C. GRCh37 (hg19) VCF-style: chr7-55248966-G-C.
Other names: c.2149-20G>C (NM_001346899.2, NM_001346897.2); c.1483-20G>C (NM_001346941.2); c.2284-20G>C (NM_001346898.2); c.2125-20G>C (NM_001346900.2).
Identifiers: ClinVar variation 1957261 (VCV001957261.6), dbSNP rs200438791, ClinGen allele CA158928201.